The following is an entry in ClinVar:

ClinVar aggregate classification (germline): Pathogenic (1 of 4 stars; one submission).

Submission:

GeneDx
Classification: Pathogenic. Last evaluated: 2018-06-18. Review status: criteria provided, single submitter. Criteria: GeneDx Variant Classification (06012015). Collection method: clinical testing. Allele origin: germline. Affected: yes.
Comment: The R1352X variant in the BRWD3 gene has not been reported previously as a pathogenic variant nor as a benign variant, to our knowledge. This variant is predicted to cause loss of normal protein function either through protein truncation or nonsense-mediated mRNA decay. The R1352X variant is not observed in large population cohorts (Lek et al., 2016). We interpret R1352X as a pathogenic variant.

NM_153252.5(BRWD3):c.4054A>T (p.Arg1352Ter)

Gene: BRWD3 (bromodomain and WD repeat domain containing 3; minus strand). Cytogenetic location: Xq21.1.
Variant type: single nucleotide variant.
Coding change: c.4054A>T on transcript NM_153252.5 (MANE Select); coding-DNA position 4054, A replaced by T.
Protein change: p.Arg1352Ter; replaces arginine 1352 with a stop codon.
Molecular consequence: nonsense.
Genome position (GRCh38, 1-based): chrX:80,685,488, T>A on the plus strand (A>T on the coding strand, the complement: BRWD3 is on the minus strand). VCF-style: chrX-80685488-T-A. GRCh37 (hg19) VCF-style: chrX-79940987-T-A.
Other names: short protein forms R1352*.
Identifiers: ClinVar variation 620222 (VCV000620222.1), dbSNP rs758800773, ClinGen allele CA413611526.